The following is an entry in ClinVar:

ClinVar aggregate classification (germline): Pathogenic/Likely pathogenic. Review status: criteria provided, multiple submitters, no conflicts (2 of 4 stars). 2 submissions from 2 submitters: Pathogenic (1); Likely pathogenic (1). Last evaluated 2024-10-23.

Conditions:
RAB28-related disorder. Also called: RAB28-related condition.

Submissions (2):

Labcorp Genetics (formerly Invitae), Labcorp
Classification: Pathogenic. Last evaluated: 2024-10-23. Review status: criteria provided, single submitter. Criteria: Invitae Variant Classification Sherloc (09022015). Collection method: clinical testing. Allele origin: germline.
Comment: This sequence change creates a premature translational stop signal (p.Asp20Glyfs*62) in the RAB28 gene. It is expected to result in an absent or disrupted protein product. Loss-of-function variants in RAB28 are known to be pathogenic (PMID: 23746546, 25356532, 27529348). This variant is not present in population databases (gnomAD no frequency). This premature translational stop signal has been observed in individual(s) with RAB28-related conditions (PMID: 34716235). For these reasons, this variant has been classified as Pathogenic.

Blueprint Genetics
Classification: Likely pathogenic for RAB28-related disorders. Last evaluated: 2019-12-04. Review status: criteria provided, single submitter. Criteria: ACMG Guidelines, 2015. Collection method: clinical testing. Allele origin: germline. Affected: yes. Observed: 1 variant allele.

Literature cited by the submitters: PubMed 23746546 (cited by Labcorp Genetics (formerly Invitae), Labcorp); PubMed 25356532 (cited by Labcorp Genetics (formerly Invitae), Labcorp); PubMed 27529348 (cited by Labcorp Genetics (formerly Invitae), Labcorp); PubMed 34716235 (cited by Labcorp Genetics (formerly Invitae), Labcorp).

NM_001017979.3(RAB28):c.58dup (p.Asp20fs)

Genes: RAB28 (RAB28, member RAS oncogene family; minus strand), LOC111828517 (Sharpr-MPRA regulatory regions 1971 and 3941; plus strand). Cytogenetic location: 4p15.33.
Variant type: Duplication.
Coding change: c.58dup on transcript NM_001017979.3 (MANE Select); coding-DNA position 58, one base duplicated (G; older notation c.58dupG).
Protein change: p.Asp20fs; shifts the reading frame from aspartic acid 20.
Molecular consequence: frameshift variant.
Genome position (GRCh38, 1-based): chr4:13,484,093, C duplicated on the plus strand (G on the coding strand, the reverse complement: RAB28 is on the minus strand); the first of 5 consecutive C bases (chr4:13,484,093-13,484,097); duplicating any one gives the same sequence. VCF-style (leftmost placement, unchanged base first): chr4-13484092-T-TC. GRCh37 (hg19) VCF-style: chr4-13485716-T-TC.
Other names: c.58dup, p.Asp20fs (NM_001159601.2, NM_004249.4); short protein forms D20fs.
Identifiers: ClinVar variation 3686368 (VCV003686368.3).
Genomic context (GRCh38, chr4:13,484,092, plus strand): 5'-GGGTTCCTGCAGGCCTGGGACGGCGGGCCTGCTCGAGGACTGACCTTCCCGGAGGCGCCG[T>TC]CCCCCAGCACGACGATTTTCAGTTGCCGGTCCTGGCTCTCCTCCTCAGAGTCCGACATGG-3'